The following is an entry in ClinVar:

NM_000088.4(COL1A1):c.2845C>G (p.Pro949Ala)

Gene: COL1A1 (collagen type I alpha 1 chain; minus strand). Cytogenetic location: 17q21.33.
Variant type: single nucleotide variant.
Coding change: c.2845C>G on transcript NM_000088.4 (MANE Select); coding-DNA position 2845, C replaced by G.
Protein change: p.Pro949Ala; replaces proline 949 with alanine.
Molecular consequence: missense variant.
Genome position (GRCh38, 1-based): chr17:50,189,260, G>C on the plus strand (C>G on the coding strand, the complement: COL1A1 is on the minus strand). VCF-style: chr17-50189260-G-C. GRCh37 (hg19) VCF-style: chr17-48266621-G-C.
Other names: short protein forms P949A.
Identifiers: ClinVar variation 2425762 (VCV002425762.6), dbSNP rs1434279534, ClinGen allele CA400205185.
Genomic context (GRCh38, chr17:50,189,260, plus strand): 5'-CTCCTCTCTGACCAGGCAGGCCGACCACACCACGCTGTCCAGCAATACCTTGAGGCCCGG[G>C]AGTACCAGGAGCACCCTTTGGGAGGCAAACAGGGGTGAGGTGCCAGAGAGCAGCACAGGG-3'
Protein context (NP_000079.2, residues 939-959): ADGPAGAPGT[Pro949Ala]GPQGIAGQRG

ClinVar aggregate classification (germline): Uncertain significance (1 of 4 stars; one submission).

Conditions:
Osteogenesis imperfecta type I (OI1). Also called: Lobstein's Disease; Classic Non-deforming Osteogenesis Imperfecta with Blue Sclerae; OI, TYPE I; OSTEOGENESIS IMPERFECTA TARDA; OSTEOGENESIS IMPERFECTA WITH BLUE SCLERAE; Osteogenesis imperfecta type 1. Identifiers: Orphanet 216796, Orphanet 666, MedGen C0023931, MONDO:0008146, OMIM 166200. Disease mechanism: loss of function.

gnomAD v4.1: 11 of 1,614,016 alleles (0.00068%); highest among the groups gnomAD compares: East Asian, 0.025%; no homozygotes.

Submission:

Labcorp Genetics (formerly Invitae), Labcorp
Classification: Uncertain significance for Osteogenesis imperfecta type I. Last evaluated: 2022-09-21. Review status: criteria provided, single submitter. Criteria: Invitae Variant Classification Sherloc (09022015). Collection method: clinical testing. Allele origin: germline.
Comment: Advanced modeling of protein sequence and biophysical properties (such as structural, functional, and spatial information, amino acid conservation, physicochemical variation, residue mobility, and thermodynamic stability) has been performed at Invitae for this missense variant, however the output from this modeling did not meet the statistical confidence thresholds required to predict the impact of this variant on COL1A1 protein function. This sequence change replaces proline, which is neutral and non-polar, with alanine, which is neutral and non-polar, at codon 949 of the COL1A1 protein (p.Pro949Ala). This variant is not present in population databases (gnomAD no frequency). This variant has not been reported in the literature in individuals affected with COL1A1-related conditions. In summary, the available evidence is currently insufficient to determine the role of this variant in disease. Therefore, it has been classified as a Variant of Uncertain Significance.